The following is an entry in ClinVar:

ClinVar aggregate classification (germline): Likely benign. Review status: criteria provided, multiple submitters, no conflicts (2 of 4 stars). 2 submissions from 2 submitters: Likely benign (2). Last evaluated 2026-09-01.

gnomAD v4.1: 4 of 1,614,186 alleles (0.00025%); highest among the groups gnomAD compares: Admixed American, 0.0017%; no homozygotes.

Submissions (2):

CeGaT Center for Human Genetics Tuebingen
Classification: Likely benign. Last evaluated: 2026-09-01. Review status: criteria provided, single submitter. Criteria: CeGaT Center For Human Genetics Tuebingen Variant Classification Criteria Version 2. Collection method: clinical testing. Allele origin: germline. Affected: yes. Observed: 1 variant allele.
Comment: RORB: BP4, BP7

Labcorp Genetics (formerly Invitae), Labcorp
Classification: Likely benign. Last evaluated: 2023-04-26. Review status: criteria provided, single submitter. Criteria: Invitae Variant Classification Sherloc (09022015). Collection method: clinical testing. Allele origin: germline.

NM_006914.4(RORB):c.414C>T (p.Ser138=)

Gene: RORB (RAR related orphan receptor B; plus strand). Cytogenetic location: 9q21.13.
Variant type: single nucleotide variant.
Coding change: c.414C>T on transcript NM_006914.4 (MANE Select); coding-DNA position 414, C replaced by T.
Protein change: p.Ser138=; no amino-acid change (serine 138 retained).
Molecular consequence: synonymous variant.
Genome position (GRCh38, 1-based): chr9:74,642,592, C>T. VCF-style: chr9-74642592-C-T. GRCh37 (hg19) VCF-style: chr9-77257508-C-T.
Other names: c.447C>T, p.Ser149= (NM_001365023.1).
Identifiers: ClinVar variation 2870926 (VCV002870926.4), dbSNP rs746944144, ClinGen allele CA193859256.